The following is an entry in ClinVar:

ClinVar aggregate classification (germline): Uncertain significance (1 of 4 stars; one submission).

Submission:

GeneDx
Classification: Uncertain significance. Last evaluated: 2019-03-25. Review status: criteria provided, single submitter. Criteria: GeneDx Variant Classification Process June 2021. Collection method: clinical testing. Allele origin: germline. Affected: yes.
Comment: Not observed in large population cohorts (Lek et al., 2016); In silico analysis, which includes protein predictors and evolutionary conservation, supports a deleterious effect; Has not been previously published as pathogenic or benign to our knowledge

NM_007289.4(MME):c.2087G>A (p.Gly696Glu)

Gene: MME (membrane metalloendopeptidase; plus strand). Cytogenetic location: 3q25.2.
Variant type: single nucleotide variant.
Coding change: c.2087G>A on transcript NM_007289.4 (MANE Select); coding-DNA position 2087, G replaced by A.
Protein change: p.Gly696Glu; replaces glycine 696 with glutamic acid.
Molecular consequence: missense variant.
Genome position (GRCh38, 1-based): chr3:155,172,546, G>A. VCF-style: chr3-155172546-G-A. GRCh37 (hg19) VCF-style: chr3-154890335-G-A.
Other names: c.2087G>A, p.Gly696Glu (NM_000902.5, NM_001354642.2, NM_001354643.1 and 2 more transcripts); short protein forms G696E.
Identifiers: ClinVar variation 1302464 (VCV001302464.2), dbSNP rs1712094458, ClinGen allele CA355219084.